The following is an entry in ClinVar:

NM_005228.5(EGFR):c.3147_3151dup (p.Asp1051fs)

Gene: EGFR (epidermal growth factor receptor; plus strand). Cytogenetic location: 7p11.2.
Variant type: Duplication.
Coding change: c.3147_3151dup on transcript NM_005228.5 (MANE Select); coding-DNA positions 3147 to 3151, 5 bases duplicated (CATTG; older notation c.3147_3151dupCATTG).
Protein change: p.Asp1051fs; shifts the reading frame from aspartic acid 1051.
Molecular consequence: frameshift variant.
Genome position (GRCh38, 1-based): chr7:55,201,767-55,201,771, CATTG duplicated; duplicating any 5 consecutive bases within chr7:55,201,764-55,201,771 gives the same sequence; the c. name uses the placement nearest the transcript's 3' end. VCF-style (leftmost placement, unchanged base first): chr7-55201763-C-CTTGCA. GRCh37 (hg19) VCF-style: chr7-55269456-C-CTTGCA.
Other names: c.3012_3016dup, p.Asp1006fs (NM_001346897.2, NM_001346899.2); c.3147_3151dup, p.Asp1051fs (NM_001346898.2); c.2988_2992dup, p.Asp998fs (NM_001346900.2); c.2346_2350dup, p.Asp784fs (NM_001346941.2); short protein forms D1006fs, D1051fs, D784fs, D998fs.
Identifiers: ClinVar variation 2705147 (VCV002705147.3), dbSNP rs2534872587, ClinGen allele CA2697557289.

ClinVar aggregate classification (germline): Uncertain significance (1 of 4 stars; one submission).

Conditions:
EGFR-related lung cancer (EGFR). Identifiers: MedGen CN130014.

Submission:

Labcorp Genetics (formerly Invitae), Labcorp
Classification: Uncertain significance for EGFR-related lung cancer. Last evaluated: 2023-12-23. Review status: criteria provided, single submitter. Criteria: Invitae Variant Classification Sherloc (09022015). Collection method: clinical testing. Allele origin: germline.
Comment: This sequence change creates a premature translational stop signal (p.Asp1051Alafs*29) in the EGFR gene. While this is not anticipated to result in nonsense mediated decay, it is expected to disrupt the last 160 amino acid(s) of the EGFR protein. This variant is not present in population databases (gnomAD no frequency). This variant has not been reported in the literature in individuals affected with EGFR-related conditions. Experimental studies and prediction algorithms are not available or were not evaluated, and the functional significance of this variant is currently unknown. In summary, the available evidence is currently insufficient to determine the role of this variant in disease. Therefore, it has been classified as a Variant of Uncertain Significance.